The following is an entry in ClinVar:

ClinVar aggregate classification (germline): Uncertain significance (1 of 4 stars; one submission).

Conditions:
Hypertrophic cardiomyopathy 14. Identifiers: MedGen C2750467, MONDO:0013197, OMIM 613251.

Submission:

Labcorp Genetics (formerly Invitae), Labcorp
Classification: Uncertain significance for Hypertrophic cardiomyopathy 14. Last evaluated: 2016-05-01. Review status: criteria provided, single submitter. Criteria: Invitae Variant Classification Sherloc (09022015). Collection method: clinical testing. Allele origin: germline.
Comment: In summary, this variant is a novel missense change that is not predicted to affect protein function. There is no indication that it causes disease, but the available evidence is currently insufficient to prove that conclusively. Therefore, it has been classified as a Variant of Uncertain Significance. Algorithms developed to predict the effect of missense changes on protein structure and function (SIFT, PolyPhen-2, Align-GVGD) all suggest that this variant is likely to be tolerated, but these predictions have not been confirmed by published functional studies. This variant is not present in population databases (ExAC no frequency) and has not been reported in the literature in individuals with a MYH6-related disease. This sequence change replaces methionine with isoleucine at codon 1585 of the MYH6 protein (p.Met1585Ile). The methionine residue is weakly conserved and there is a small physicochemical difference between methionine and isoleucine.

NM_002471.4(MYH6):c.4755G>A (p.Met1585Ile)

Genes: MYH6 (myosin heavy chain 6; minus strand), LOC126861896 (BRD4-independent group 4 enhancer GRCh37_chr14:23854904-23856103; plus strand). Cytogenetic location: 14q11.2.
Variant type: single nucleotide variant.
Coding change: c.4755G>A on transcript NM_002471.4 (MANE Select); coding-DNA position 4755, G replaced by A.
Protein change: p.Met1585Ile; replaces methionine 1585 with isoleucine.
Molecular consequence: missense variant.
Genome position (GRCh38, 1-based): chr14:23,386,519, C>T on the plus strand (G>A on the coding strand, the complement: MYH6 is on the minus strand). VCF-style: chr14-23386519-C-T. GRCh37 (hg19) VCF-style: chr14-23855728-C-T.
Other names: short protein forms M1585I.
Identifiers: ClinVar variation 407150 (VCV000407150.9), dbSNP rs1060501427, ClinGen allele CA16614129.